The following is an entry in ClinVar:

NM_153676.4(USH1C):c.281A>G (p.His94Arg)

Gene: USH1C (USH1 protein network component harmonin; minus strand). Cytogenetic location: 11p15.1.
Variant type: single nucleotide variant.
Coding change: c.281A>G on transcript NM_153676.4 (MANE Select); coding-DNA position 281, A replaced by G.
Protein change: p.His94Arg; replaces histidine 94 with arginine.
Molecular consequence: missense variant. On other transcripts: non-coding transcript variant (1).
Genome position (GRCh38, 1-based): chr11:17,531,260, T>C on the plus strand (A>G on the coding strand, the complement: USH1C is on the minus strand). VCF-style: chr11-17531260-T-C. GRCh37 (hg19) VCF-style: chr11-17552807-T-C.
Other names: c.281A>G, p.His94Arg (NM_001297764.2, NM_005709.4); short protein forms H94R.
Identifiers: ClinVar variation 2120475 (VCV002120475.4), dbSNP rs2497224342, ClinGen allele CA379797282.

ClinVar aggregate classification (germline): Uncertain significance (1 of 4 stars; one submission).

Submission:

Labcorp Genetics (formerly Invitae), Labcorp
Classification: Uncertain significance. Last evaluated: 2022-04-01. Review status: criteria provided, single submitter. Criteria: Invitae Variant Classification Sherloc (09022015). Collection method: clinical testing. Allele origin: germline.
Comment: This sequence change replaces histidine, which is basic and polar, with arginine, which is basic and polar, at codon 94 of the USH1C protein (p.His94Arg). This variant is not present in population databases (gnomAD no frequency). This variant has not been reported in the literature in individuals affected with USH1C-related conditions. Algorithms developed to predict the effect of missense changes on protein structure and function are either unavailable or do not agree on the potential impact of this missense change (SIFT: "Deleterious"; PolyPhen-2: "Benign"; Align-GVGD: "Class C0"). In summary, the available evidence is currently insufficient to determine the role of this variant in disease. Therefore, it has been classified as a Variant of Uncertain Significance.